The following is an entry in ClinVar:

NM_001379286.1(ZNF423):c.2013G>A (p.Ala671=)

Gene: ZNF423 (zinc finger protein 423; minus strand). Cytogenetic location: 16q12.1.
Variant type: single nucleotide variant.
Coding change: c.2013G>A on transcript NM_001379286.1 (MANE Select); coding-DNA position 2013, G replaced by A.
Protein change: p.Ala671=; no amino-acid change (alanine 671 retained).
Molecular consequence: synonymous variant.
Genome position (GRCh38, 1-based): chr16:49,637,163, C>T on the plus strand (G>A on the coding strand, the complement: ZNF423 is on the minus strand). VCF-style: chr16-49637163-C-T. GRCh37 (hg19) VCF-style: chr16-49671074-C-T.
Other names: c.1809G>A, p.Ala603= (NM_001271620.2); c.1638G>A, p.Ala546= (NM_001330533.2); c.1989G>A, p.Ala663= (NM_015069.5).
Identifiers: ClinVar variation 197818 (VCV000197818.49), dbSNP rs143468235, ClinGen allele CA246164.

ClinVar aggregate classification (germline): Benign/Likely benign. Review status: criteria provided, multiple submitters, no conflicts (2 of 4 stars). 6 submissions from 6 submitters: Benign (2); Likely benign (4). Last evaluated 2026-04-01.

Conditions:
Nephronophthisis 14 (NPHP14). Identifiers: Orphanet 2318, MedGen C3539071, MONDO:0013916, OMIM 614844.

Allele frequency attached by ClinVar (database versions not stated): 1000 Genomes Project 30x 0.00031; 1000 Genomes Project 0.00040; TOPMed 0.00154; gnomAD 0.00207 and 0.00208; ESP Exome Variant Server 0.00215.
gnomAD v4.1: 4,204 of 1,613,720 alleles (0.26%); highest among the groups gnomAD compares: Non-Finnish European, 0.31%; 12 homozygotes.

Submissions (6):

CeGaT Center for Human Genetics Tuebingen
Classification: Likely benign. Last evaluated: 2026-04-01. Review status: criteria provided, single submitter. Criteria: CeGaT Center For Human Genetics Tuebingen Variant Classification Criteria Version 2. Collection method: clinical testing. Allele origin: germline. Affected: yes. Observed: 11 variant alleles.
Comment: ZNF423: BP4, BP7

Labcorp Genetics (formerly Invitae), Labcorp
Classification: Benign for Nephronophthisis 14. Last evaluated: 2026-01-22. Review status: criteria provided, single submitter. Criteria: Invitae Variant Classification Sherloc (09022015). Collection method: clinical testing. Allele origin: germline.

Blueprint Genetics
Classification: Likely benign. Last evaluated: 2024-11-23. Review status: criteria provided, single submitter. Criteria: ACMG Guidelines, 2015. Collection method: clinical testing. Allele origin: germline.

Genome-Nilou Lab
Classification: Benign for Nephronophthisis 14. Last evaluated: 2021-12-05. Review status: criteria provided, single submitter. Criteria: ACMG Guidelines, 2015. Collection method: clinical testing. Allele origin: germline. Affected: no.

Eurofins Ntd Llc (ga)
Classification: Likely benign. Last evaluated: 2016-06-06. Review status: criteria provided, single submitter. Criteria: EGL Classification Definitions 2015. Collection method: clinical testing. Allele origin: germline. Observed: 2 variant alleles, 2 heterozygotes.

PreventionGenetics, part of Exact Sciences
Classification: Likely benign. Review status: criteria provided, single submitter. Criteria: ACMG Guidelines, 2015. Collection method: clinical testing. Allele origin: germline.